The following is an entry in ClinVar:

ClinVar aggregate classification (germline): Uncertain significance (1 of 4 stars; one submission).

Submission:

Labcorp Genetics (formerly Invitae), Labcorp
Classification: Uncertain significance. Last evaluated: 2022-08-03. Review status: criteria provided, single submitter. Criteria: Invitae Variant Classification Sherloc (09022015). Collection method: clinical testing. Allele origin: germline.
Comment: In summary, the available evidence is currently insufficient to determine the role of this variant in disease. Therefore, it has been classified as a Variant of Uncertain Significance. Algorithms developed to predict the effect of missense changes on protein structure and function are either unavailable or do not agree on the potential impact of this missense change (SIFT: "Deleterious"; PolyPhen-2: "Benign"; Align-GVGD: "Class C25"). This variant has not been reported in the literature in individuals affected with CDH2-related conditions. This variant is not present in population databases (gnomAD no frequency). This sequence change replaces glutamine, which is neutral and polar, with glutamic acid, which is acidic and polar, at codon 410 of the CDH2 protein (p.Gln410Glu).

NM_001792.5(CDH2):c.1228C>G (p.Gln410Glu)

Gene: CDH2 (cadherin 2; minus strand). Cytogenetic location: 18q12.1.
Variant type: single nucleotide variant.
Coding change: c.1228C>G on transcript NM_001792.5 (MANE Select); coding-DNA position 1228, C replaced by G.
Protein change: p.Gln410Glu; replaces glutamine 410 with glutamic acid.
Molecular consequence: missense variant.
Genome position (GRCh38, 1-based): chr18:27,992,771, G>C on the plus strand (C>G on the coding strand, the complement: CDH2 is on the minus strand). VCF-style: chr18-27992771-G-C. GRCh37 (hg19) VCF-style: chr18-25572735-G-C.
Other names: c.1135C>G, p.Gln379Glu (NM_001308176.2); short protein forms Q379E, Q410E.
Identifiers: ClinVar variation 1714965 (VCV001714965.5), dbSNP rs778620928, ClinGen allele CA402110275.
Genomic context (GRCh38, chr18:27,992,771, plus strand): 5'-GTCCAGTAGGATCTCCGCCACTGATTCTGTACACTGCGTTCCAGGCTGGTGTATGGGGTT[G>C]ATCCTTATCGGTCACAGTTAGATTAGCTACTATGATGTCTACCCTGTTCTCAGGAACTTC-3'
Protein context (NP_001783.2, residues 400-420): VANLTVTDKD[Gln410Glu]PHTPAWNAVY